The following is an entry in ClinVar:

NM_000892.5(KLKB1):c.1313+1G>T

Gene: KLKB1 (kallikrein B1; plus strand). Cytogenetic location: 4q35.2.
Variant type: single nucleotide variant.
Coding change: c.1313+1G>T on transcript NM_000892.5 (MANE Select); the canonical splice donor site of the intron after coding-DNA position 1313, G replaced by T.
Molecular consequence: splice donor variant.
Genome position (GRCh38, 1-based): chr4:186,252,186, G>T. VCF-style: chr4-186252186-G-T. GRCh37 (hg19) VCF-style: chr4-187173340-G-T.
Other names: c.707+1G>T (NM_001318396.2); c.1313+1G>T (NM_001440521.1); c.1199+1G>T (NM_001318394.2).
Identifiers: ClinVar variation 4997596 (VCV004997596.1).

ClinVar aggregate classification (germline): Likely pathogenic (1 of 4 stars; one submission).

Conditions:
KLKB1-related disorder. Also called: KLKB1-related condition.

gnomAD v4.1: 105 of 1,613,346 alleles (0.0065%); highest among the groups gnomAD compares: Non-Finnish European, 0.0088%; no homozygotes.

Submission:

PreventionGenetics, part of Exact Sciences
Classification: Likely pathogenic for KLKB1-related condition. Last evaluated: 2025-11-24. Review status: criteria provided, single submitter. Criteria: ACMG Guidelines, 2015. Collection method: clinical testing. Allele origin: germline.
Comment: The KLKB1 c.1313+1G>T variant is predicted to disrupt the GT donor site and interfere with normal splicing. To our knowledge, this variant has not been reported in the literature. This variant is reported in 0.0054% of alleles in individuals of European (Non-Finnish) descent in gnomAD. Variants that disrupt the consensus splice donor site in KLKB1 are expected to be pathogenic. This variant is interpreted as likely pathogenic.